The following is an entry in ClinVar:

ClinVar aggregate classification (germline): Likely pathogenic (1 of 4 stars; one submission).

Conditions:
GNE myopathy (NM). Also called: MYOPATHY, DISTAL, WITH OR WITHOUT RIMMED VACUOLES; INCLUSION BODY MYOPATHY 2, AUTOSOMAL RECESSIVE; NONAKA DISTAL MYOPATHY; IBM 2; Inclusion body myopathy autosomal recessive; Inclusion body myopathy quadriceps sparing. Identifiers: Orphanet 602, MedGen C1853926, MONDO:0011603, OMIM 605820.

Submission:

3billion
Classification: Likely pathogenic for GNE myopathy. Last evaluated: 2022-05-22. Review status: criteria provided, single submitter. Criteria: ACMG Guidelines, 2015. Collection method: clinical testing. Allele origin: germline. Affected: yes. Observed: 1 homozygote.
Comment: The variant is not observed in the gnomAD v2.1.1 dataset. In silico tool predictions suggest damaging effect of the variant on gene or gene product (REVEL: 0.78; 3Cnet: 0.88). Same nucleotide change resulting in same amino acid change has been previously reported to be associated with GNE related disorder (PMID: 23437777). However, the evidence of pathogenicity is insufficient at this time. The variant has been reported to be in trans with a pathogenic variant as compound heterozygous in at least one similarly affected unrelated individual (PMID: 23437777). Therefore, this variant is classified as likely pathogenic according to the recommendation of ACMG/AMP guideline.

Literature cited by the submitters: PubMed 23437777.

NM_005476.7(GNE):c.448A>G (p.Ile150Val)

Gene: GNE (glucosamine (UDP-N-acetyl)-2-epimerase/N-acetylmannosamine kinase; minus strand). Cytogenetic location: 9p13.3.
Variant type: single nucleotide variant.
Coding change: c.448A>G on transcript NM_005476.7 (MANE Select); coding-DNA position 448, A replaced by G.
Protein change: p.Ile150Val; replaces isoleucine 150 with valine.
Molecular consequence: missense variant.
Genome position (GRCh38, 1-based): chr9:36,246,199, T>C on the plus strand (A>G on the coding strand, the complement: GNE is on the minus strand). VCF-style: chr9-36246199-T-C. GRCh37 (hg19) VCF-style: chr9-36246196-T-C.
Other names: c.541A>G, p.Ile181Val (NM_001128227.3); c.448A>G, p.Ile150Val (NM_001190383.3, NM_001374797.1); c.271A>G, p.Ile91Val (NM_001190384.3, NM_001190388.2, NM_001374798.1); short protein forms I150V, I181V, I91V.
Identifiers: ClinVar variation 1687425 (VCV001687425.1), dbSNP rs758814313, ClinGen allele CA373418640.
Genomic context (GRCh38, chr9:36,246,199, plus strand): 5'-ATATCAGGTGCTGCTCTGCACTGCGGGTGCAGCACACATGATAATGAGCCAGTTTTGTTA[T>C]GGCATGTCTGATAGAGTCATCAATGGTCCCACTGACTTCCCCACCTTCAATGTGAAGGAT-3'
Protein context (NP_005467.1, residues 140-160): GTIDDSIRHA[Ile150Val]TKLAHYHVCC